The following is an entry in ClinVar:

NM_182916.3(TRNT1):c.-27-289G>C

Gene: TRNT1 (tRNA nucleotidyl transferase 1; plus strand). Cytogenetic location: 3p26.2.
Variant type: single nucleotide variant.
Coding change: c.-27-289G>C on transcript NM_182916.3 (MANE Select); 289 bases into the intron before 27 bases upstream of the start codon, G replaced by C.
Molecular consequence: intron variant.
Genome position (GRCh38, 1-based): chr3:3,128,725, G>C. VCF-style: chr3-3128725-G-C. GRCh37 (hg19) VCF-style: chr3-3170409-G-C.
Other names: NC_000003.11:g.3170409G>C; c.-27-289G>C (NM_001367321.1, NM_001367323.1, NM_001367322.1 and 1 more transcripts).
Identifiers: ClinVar variation 669583 (VCV000669583.2), dbSNP rs334774, ClinGen allele CA11526354.

ClinVar aggregate classification (germline): Benign (1 of 4 stars; one submission).

Allele frequency attached by ClinVar (database versions not stated): 1000 Genomes Project 0.38219; 1000 Genomes Project 30x 0.38304; TOPMed 0.48992; gnomAD 0.51119.
gnomAD v4.1: 77,331 of 151,896 alleles (51%); highest among the groups gnomAD compares: Middle Eastern, 70%; 21,908 homozygotes.

Submissions (2):

GeneDx
Classification: Benign. Last evaluated: 2018-06-14. Review status: criteria provided, single submitter. Criteria: GeneDx Variant Classification (06012015). Collection method: clinical testing. Allele origin: germline. Affected: yes.
Comment: This variant is considered likely benign or benign based on one or more of the following criteria: it is a conservative change, it occurs at a poorly conserved position in the protein, it is predicted to be benign by multiple in silico algorithms, and/or has population frequency not consistent with disease.

Dr. Peter K. Rogan Lab, Western University
No classification provided (evidence only). Condition: Familial cancer of breast. Review status: no classification provided. Collection method: in vitro. Allele origin: not applicable. Functional consequence: skipped exon. Not counted in ClinVar's aggregate classification.